The following is an entry in ClinVar:

ClinVar aggregate classification (germline): Uncertain significance (1 of 4 stars; one submission).

Conditions:
T-cell immunodeficiency, congenital alopecia, and nail dystrophy. Also called: Congenital alopecia and nail dystrophy associated with severe functional T-cell immunodeficiency; Pignata Guarino syndrome. Identifiers: Orphanet 169095, MedGen C1866426, MONDO:0011132, OMIM 601705.

gnomAD v4.1: 7 of 1,611,234 alleles (0.00043%); highest among the groups gnomAD compares: Non-Finnish European, 0.00059%; no homozygotes.

Submission:

Labcorp Genetics (formerly Invitae), Labcorp
Classification: Uncertain significance for T-cell immunodeficiency, congenital alopecia, and nail dystrophy. Last evaluated: 2024-02-11. Review status: criteria provided, single submitter. Criteria: Invitae Variant Classification Sherloc (09022015). Collection method: clinical testing. Allele origin: germline.
Comment: This sequence change replaces glutamic acid, which is acidic and polar, with lysine, which is basic and polar, at codon 190 of the FOXN1 protein (p.Glu190Lys). This variant is present in population databases (rs746183272, gnomAD 0.004%). This variant has not been reported in the literature in individuals affected with FOXN1-related conditions. Advanced modeling of protein sequence and biophysical properties (such as structural, functional, and spatial information, amino acid conservation, physicochemical variation, residue mobility, and thermodynamic stability) performed at Invitae indicates that this missense variant is not expected to disrupt FOXN1 protein function with a negative predictive value of 80%. In summary, the available evidence is currently insufficient to determine the role of this variant in disease. Therefore, it has been classified as a Variant of Uncertain Significance.

NM_001369369.1(FOXN1):c.568G>A (p.Glu190Lys)

Gene: FOXN1 (forkhead box N1; plus strand). Cytogenetic location: 17q11.2.
Variant type: single nucleotide variant.
Coding change: c.568G>A on transcript NM_001369369.1 (MANE Select); coding-DNA position 568, G replaced by A.
Protein change: p.Glu190Lys; replaces glutamic acid 190 with lysine.
Molecular consequence: missense variant.
Genome position (GRCh38, 1-based): chr17:28,524,947, G>A. VCF-style: chr17-28524947-G-A. GRCh37 (hg19) VCF-style: chr17-26851965-G-A.
Other names: c.568G>A, p.Glu190Lys (NM_003593.3); short protein forms E190K.
Identifiers: ClinVar variation 3605655 (VCV003605655.2).
Genomic context (GRCh38, chr17:28,524,947, plus strand): 5'-GCCTTCCTGCCTGGCTTCTCAGCAGAGGCCTGGTGTAACGGGCTCCCCTACCCCAGCCAG[G>A]AGCATGGCCCCCAAGTCCTGGTGAGTACTAGTGGCCAGCGAGTGTCCCATCTTCCCACTG-3'
Protein context (NP_001356298.1, residues 180-200): WCNGLPYPSQ[Glu190Lys]HGPQVLGSEV